The following is an entry in ClinVar:

ClinVar aggregate classification (germline): Benign. Review status: criteria provided, multiple submitters, no conflicts (2 of 4 stars). 4 submissions from 4 submitters: Benign (2). 2 of the submissions do not count toward it. Last evaluated 2026-08-01.

Allele frequency attached by ClinVar (database versions not stated): 1000 Genomes Project 30x 0.00437; 1000 Genomes Project 0.00479; ESP Exome Variant Server 0.00755; gnomAD exomes 0.00817 and 0.01059; ExAC 0.00941.
gnomAD v4.1: 16,567 of 1,610,380 alleles (1%); highest among the groups gnomAD compares: South Asian, 1.3%; 152 homozygotes.

Submissions (4):

CeGaT Center for Human Genetics Tuebingen
Classification: Benign. Last evaluated: 2026-08-01. Review status: criteria provided, single submitter. Criteria: CeGaT Center For Human Genetics Tuebingen Variant Classification Criteria Version 2. Collection method: clinical testing. Allele origin: germline. Affected: yes. Observed: 14 variant alleles.
Comment: PRDM13: BP4, BP7, BS1, BS2

Labcorp Genetics (formerly Invitae), Labcorp
Classification: Benign. Last evaluated: 2026-02-03. Review status: criteria provided, single submitter. Criteria: Invitae Variant Classification Sherloc (09022015). Collection method: clinical testing. Allele origin: germline.

Clinical Genetics DNA and cytogenetics Diagnostics Lab, Erasmus MC, Erasmus Medical Center
Classification: Likely benign. Review status: no assertion criteria provided. Collection method: clinical testing. Allele origin: germline. Affected: yes. Study: VKGL Data-share Consensus. Not counted in ClinVar's aggregate classification.

Clinical Genetics, Academic Medical Center
Classification: Benign. Review status: no assertion criteria provided. Collection method: clinical testing. Allele origin: germline. Affected: yes. Study: VKGL Data-share Consensus. Not counted in ClinVar's aggregate classification.

NM_021620.4(PRDM13):c.609C>T (p.Ser203=)

Gene: PRDM13 (PR/SET domain 13; plus strand). Cytogenetic location: 6q16.2.
Variant type: single nucleotide variant.
Coding change: c.609C>T on transcript NM_021620.4 (MANE Select); coding-DNA position 609, C replaced by T.
Protein change: p.Ser203=; no amino-acid change (serine 203 retained).
Molecular consequence: synonymous variant.
Genome position (GRCh38, 1-based): chr6:99,613,244, C>T. VCF-style: chr6-99613244-C-T. GRCh37 (hg19) VCF-style: chr6-100061120-C-T.
Identifiers: ClinVar variation 1169157 (VCV001169157.36), dbSNP rs183537963, ClinGen allele CA3936244.